The following is an entry in ClinVar:

ClinVar aggregate classification (germline): Uncertain significance. Review status: criteria provided, multiple submitters, no conflicts (2 of 4 stars). 2 submissions from 2 submitters: Uncertain significance (2). Last evaluated 2023-02-21.

Conditions:
Cardiovascular phenotype. Identifiers: MedGen CN230736.
Hereditary cancer-predisposing syndrome. Also called: Hereditary neoplastic syndrome; Neoplastic Syndromes, Hereditary; Tumor predisposition; Hereditary Cancer Syndrome. Identifiers: Orphanet 140162, MedGen C0027672, MeSH D009386, MONDO:0015356.
Neurofibromatosis, type 1 (NF1). Also called: VON RECKLINGHAUSEN DISEASE; Peripheral type neurofibromatosis; NEUROFIBROMATOSIS, TYPE I, SOMATIC; Neurofibromatosis, type I. Identifiers: Orphanet 636, MedGen C0027831, MONDO:0018975, OMIM 162200. Disease mechanism: loss of function.

Allele frequency attached by ClinVar (database versions not stated): gnomAD exomes below 0.00001.
gnomAD v4.1: 1 of 1,613,806 alleles (0.000062%); highest among the groups gnomAD compares: Admixed American, 0.0017%; no homozygotes.

Submissions (2):

Ambry Genetics
Classification: Uncertain significance for Cardiovascular phenotype; Hereditary cancer-predisposing syndrome. Last evaluated: 2023-02-21. Review status: criteria provided, single submitter. Criteria: Ambry Variant Classification Scheme 2023. Collection method: clinical testing. Allele origin: germline.
Comment: The c.4110G>A variant (also known as p.Q1370Q) is located in coding exon 30 of the NF1 gene. This variant results from a G to A substitution at nucleotide position 4110. This nucleotide substitution does not change the glutamine at codon 1370. However, this change occurs in the last base pair of coding exon 30, which makes it likely to have some effect on normal mRNA splicing. This nucleotide position is highly conserved in available vertebrate species. In silico splice site analysis predicts that this alteration may weaken the native splice donor site; however, direct evidence is insufficient at this time (Ambry internal data). Since supporting evidence is limited at this time, the clinical significance of this alteration remains unclear.

Labcorp Genetics (formerly Invitae), Labcorp
Classification: Uncertain significance for Neurofibromatosis, type 1. Last evaluated: 2023-02-10. Review status: criteria provided, single submitter. Criteria: Invitae Variant Classification Sherloc (09022015). Collection method: clinical testing. Allele origin: germline.
Comment: In summary, the available evidence is currently insufficient to determine the role of this variant in disease. Therefore, it has been classified as a Variant of Uncertain Significance. Variants that disrupt the consensus splice site are a relatively common cause of aberrant splicing (PMID: 17576681, 9536098). Algorithms developed to predict the effect of sequence changes on RNA splicing suggest that this variant may disrupt the consensus splice site. ClinVar contains an entry for this variant (Variation ID: 484044). This variant has not been reported in the literature in individuals affected with NF1-related conditions. This variant is present in population databases (no rsID available, gnomAD 0.003%). This sequence change affects codon 1370 of the NF1 mRNA. It is a 'silent' change, meaning that it does not change the encoded amino acid sequence of the NF1 protein. This variant also falls at the last nucleotide of exon 30, which is part of the consensus splice site for this exon.

Literature cited by the submitters: PubMed 17576681 (cited by Labcorp Genetics (formerly Invitae), Labcorp); PubMed 9536098 (cited by Labcorp Genetics (formerly Invitae), Labcorp).

NM_001042492.3(NF1):c.4110G>A (p.Gln1370=)

Gene: NF1 (neurofibromin 1; plus strand). Cytogenetic location: 17q11.2.
Variant type: single nucleotide variant.
Coding change: c.4110G>A on transcript NM_001042492.3 (MANE Select); coding-DNA position 4110, G replaced by A.
Protein change: p.Gln1370=; no amino-acid change (glutamine 1370 retained).
Molecular consequence: synonymous variant.
Genome position (GRCh38, 1-based): chr17:31,249,119, G>A. VCF-style: chr17-31249119-G-A. GRCh37 (hg19) VCF-style: chr17-29576137-G-A.
Other names: c.4110G>A, p.Gln1370= (NM_000267.4).
Identifiers: ClinVar variation 484044 (VCV000484044.11), dbSNP rs1135402854, ClinGen allele CA499233164.
Genomic context (GRCh38, chr17:31,249,119, plus strand): 5'-CATCAGTTCCTCCTCAGAATTCCCCCCTCAACTTCGAAGTGTGTGCCACTGTTTATACCA[G>A]GTATGCTTACAGTTAGAGATTACCATTATTAATCTAAAGTTAAATTATGAAGAATGCTTT-3'
Protein context (NP_001035957.1, residues 1360-1380): QLRSVCHCLY[Gln1370=]ATCHSLLNKA